The following is an entry in ClinVar:

ClinVar aggregate classification (germline): Uncertain significance (1 of 4 stars; one submission).

gnomAD v4.1: 1 of 1,613,948 alleles (0.000062%); highest among the groups gnomAD compares: African/African-American, 0.0013%; no homozygotes.

Submission:

GeneDx
Classification: Uncertain significance. Last evaluated: 2024-07-16. Review status: criteria provided, single submitter. Criteria: GeneDx Variant Classification Process June 2021. Collection method: clinical testing. Allele origin: germline. Affected: yes.
Comment: Not observed at significant frequency in large population cohorts (gnomAD); Stop codon loss and change to a glutamic acid codon, leading to protein extension and the addition of 18 amino acids at the C-terminus; Has not been previously published as pathogenic or benign to our knowledge

NM_001148.6(ANK2):c.11872T>G (p.Ter3958Glu)

Gene: ANK2 (ankyrin 2; plus strand). Cytogenetic location: 4q26.
Variant type: single nucleotide variant.
Coding change: c.11872T>G on transcript NM_001148.6 (MANE Select); coding-DNA position 11872, T replaced by G.
Protein change: p.Ter3958Glu.
Molecular consequence: stop lost. On other transcripts: missense variant (2).
Genome position (GRCh38, 1-based): chr4:113,381,469, T>G. VCF-style: chr4-113381469-T-G. GRCh37 (hg19) VCF-style: chr4-114302625-T-G.
Other names: c.5590T>G, p.Ter1864Glu (NM_001127493.3); c.5812T>G, p.Ter1938Glu (NM_001354225.2); c.5794T>G, p.Ter1932Glu (NM_001354228.2); c.5779T>G, p.Ter1927Glu (NM_001354230.2); c.5752T>G, p.Ter1918Glu (NM_001354231.2); c.5746T>G, p.Ter1916Glu (NM_001354232.2); c.5707T>G, p.Ter1903Glu (NM_001354235.2); c.5698T>G, p.Ter1900Glu (NM_001354236.2); and 57 more; short protein forms S4119R, S4127R.
Identifiers: ClinVar variation 3573616 (VCV003573616.1).